The following is an entry in ClinVar:

ClinVar aggregate classification (germline): Uncertain significance (1 of 4 stars; one submission).

Conditions:
Hereditary cancer-predisposing syndrome. Also called: Tumor predisposition; Neoplastic Syndromes, Hereditary; Hereditary neoplastic syndrome; Hereditary Cancer Syndrome. Identifiers: Orphanet 140162, MedGen C0027672, MeSH D009386, MONDO:0015356.

Submission:

Ambry Genetics
Classification: Uncertain significance for Hereditary cancer-predisposing syndrome. Last evaluated: 2025-08-27. Review status: criteria provided, single submitter. Criteria: Ambry Variant Classification Scheme 2023. Collection method: clinical testing. Allele origin: germline.
Comment: The p.L377M variant (also known as c.1129C>A), located in coding exon 12 of the MUTYH gene, results from a C to A substitution at nucleotide position 1129. The leucine at codon 377 is replaced by methionine, an amino acid with highly similar properties. This amino acid position is conserved. In addition, the in silico prediction for this alteration is inconclusive. Based on the available evidence, the clinical significance of this variant remains unclear.

NM_001048174.2(MUTYH):c.1045C>A (p.Leu349Met)

Gene: MUTYH (mutY DNA glycosylase; minus strand). Cytogenetic location: 1p34.1.
Variant type: single nucleotide variant.
Coding change: c.1045C>A on transcript NM_001048174.2 (MANE Select); coding-DNA position 1045, C replaced by A.
Protein change: p.Leu349Met; replaces leucine 349 with methionine.
Molecular consequence: missense variant. On other transcripts: non-coding transcript variant (7).
Genome position (GRCh38, 1-based): chr1:45,331,718, G>T on the plus strand (C>A on the coding strand, the complement: MUTYH is on the minus strand). VCF-style: chr1-45331718-G-T. GRCh37 (hg19) VCF-style: chr1-45797390-G-T.
Other names: c.1045C>A, p.Leu349Met (NM_001048171.2, NM_001048173.2, NM_001293195.2 and 6 more transcripts); c.1048C>A, p.Leu350Met (NM_001048172.2, NM_001407071.1, NM_001407078.1 and 1 more transcripts); c.1129C>A, p.Leu377Met (NM_001128425.2); c.1090C>A, p.Leu364Met (NM_001293190.2); c.1078C>A, p.Leu360Met (NM_001293191.2, NM_001407069.1, NM_001407077.1); c.769C>A, p.Leu257Met (NM_001293192.2, NM_001293196.2, NM_001407091.1); c.700C>A, p.Leu234Met (NM_001350650.2, NM_001350651.2, NM_001407082.1); c.961C>A, p.Leu321Met (NM_001407075.1); and 5 more; short protein forms L321M, L360M, L374M, L350M, L356M, L234M, L335M, L364M.
Identifiers: ClinVar variation 4113035 (VCV004113035.1).
Genomic context (GRCh38, chr1:45,331,718, plus strand): 5'-TACCTGAGTTGGGCCTCTGCACCAGCAGAATTTGGGCCCCAAGGGCCCCAGGCTGTTCCA[G>T]AACACAGGTGGCAGAGCTCTCCTCCCTGGGGGGCTTGCGGCTGGCCTTTCTGGGGAAGTT-3'
Protein context (NP_001041639.1, residues 339-359): PREESSATCV[Leu349Met]EQPGALGAQI